The following is an entry in ClinVar:

NM_020693.4(DSCAML1):c.4262C>T (p.Ser1421Leu)

Gene: DSCAML1 (DS cell adhesion molecule like 1; minus strand). Cytogenetic location: 11q23.3.
Variant type: single nucleotide variant.
Coding change: c.4262C>T on transcript NM_020693.4 (MANE Select); coding-DNA position 4262, C replaced by T.
Protein change: p.Ser1421Leu; replaces serine 1421 with leucine.
Molecular consequence: missense variant.
Genome position (GRCh38, 1-based): chr11:117,438,065, G>A on the plus strand (C>T on the coding strand, the complement: DSCAML1 is on the minus strand). VCF-style: chr11-117438065-G-A. GRCh37 (hg19) VCF-style: chr11-117308781-G-A.
Other names: c.4442C>T (NM_020693.2); short protein forms S1421L.
Identifiers: ClinVar variation 2893149 (VCV002893149.4), dbSNP rs1281770633, ClinGen allele CA382759846.

ClinVar aggregate classification (germline): Uncertain significance. Review status: criteria provided, multiple submitters, no conflicts (2 of 4 stars). 2 submissions from 2 submitters: Uncertain significance (2). Last evaluated 2025-05-06.

Allele frequency attached by ClinVar (database versions not stated): gnomAD exomes below 0.00001; gnomAD 0.00002; TOPMed 0.00002.
gnomAD v4.1: 9 of 1,613,274 alleles (0.00056%); highest among the groups gnomAD compares: African/African-American, 0.004%; no homozygotes.

Submissions (2):

Ambry Genetics
Classification: Uncertain significance. Last evaluated: 2025-05-06. Review status: criteria provided, single submitter. Criteria: Ambry Variant Classification Scheme 2023. Collection method: clinical testing. Allele origin: germline.

Labcorp Genetics (formerly Invitae), Labcorp
Classification: Uncertain significance. Last evaluated: 2023-11-14. Review status: criteria provided, single submitter. Criteria: Invitae Variant Classification Sherloc (09022015). Collection method: clinical testing. Allele origin: germline.
Comment: This sequence change replaces serine, which is neutral and polar, with leucine, which is neutral and non-polar, at codon 1481 of the DSCAML1 protein (p.Ser1481Leu). This variant is not present in population databases (gnomAD no frequency). This variant has not been reported in the literature in individuals affected with DSCAML1-related conditions. An algorithm developed to predict the effect of missense changes on protein structure and function (PolyPhen-2) suggests that this variant is likely to be disruptive. In summary, the available evidence is currently insufficient to determine the role of this variant in disease. Therefore, it has been classified as a Variant of Uncertain Significance.